The following is an entry in ClinVar:

ClinVar aggregate classification (germline): Pathogenic/Likely pathogenic. Review status: criteria provided, multiple submitters, no conflicts (2 of 4 stars). 5 submissions from 5 submitters: Pathogenic (1); Likely pathogenic (3). 1 of the submissions does not count toward it. Last evaluated 2025-10-23.

Conditions:
Medulloblastoma (MDB). Also called: MEDULLOBLASTOMA PREDISPOSITION SYNDROME; Medulloblastoma, somatic. Identifiers: Orphanet 616, MedGen C0025149, MeSH D008527, MONDO:0007959, OMIM 155255, HP:0002885.
Familial dysautonomia. Also called: FD; HSAN III. Identifiers: Orphanet 1764, MedGen C0013364, MONDO:0009131, OMIM 223900. Disease mechanism: loss of function.

Allele frequency attached by ClinVar (database versions not stated): gnomAD exomes below 0.00001.

Submissions (5):

Natera, Inc.
Classification: Likely pathogenic for Familial dysautonomia. Last evaluated: 2025-10-23. Review status: criteria provided, single submitter. Criteria: Natera Variant Classification Schema (03/2026). Collection method: clinical testing. Allele origin: germline.
Comment: The c.138dupT variant in ELP1 is a frameshift variant predicted to shift the reading frame beginning at codon 47 and leads to a stop codon 8 codons downstream. This variant is expected to result in nonsense mediated decay, truncation, or a dysfunctional protein product. This variant is rare in the general population with a frequency below the threshold expected for the associated phenotype(s). Given the available evidence, this variant is classified as Likely Pathogenic.

Labcorp Genetics (formerly Invitae), Labcorp
Classification: Pathogenic. Last evaluated: 2024-07-01. Review status: criteria provided, single submitter. Criteria: Invitae Variant Classification Sherloc (09022015). Collection method: clinical testing. Allele origin: germline.
Comment: This sequence change creates a premature translational stop signal (p.Val47Cysfs*8) in the ELP1 gene. It is expected to result in an absent or disrupted protein product. Loss-of-function variants in ELP1 are known to be pathogenic (PMID: 18303054, 24173031). This variant is present in population databases (no rsID available, gnomAD 0.0009%). This premature translational stop signal has been observed in individual(s) with clinical features of ELP1-related conditions (PMID: 32296180). ClinVar contains an entry for this variant (Variation ID: 1299758). For these reasons, this variant has been classified as Pathogenic.

GeneDx
Classification: Likely pathogenic. Last evaluated: 2024-05-13. Review status: criteria provided, single submitter. Criteria: GeneDx Variant Classification Process June 2021. Collection method: clinical testing. Allele origin: germline. Affected: yes.
Comment: Frameshift variant predicted to result in protein truncation or nonsense mediated decay in a gene for which loss of function is a known mechanism of disease; Not observed at significant frequency in large population cohorts (gnomAD); This variant is associated with the following publications: (PMID: 32296180)

Mayo Clinic Laboratories, Mayo Clinic
Classification: Likely pathogenic. Last evaluated: 2021-04-29. Review status: criteria provided, single submitter. Criteria: ACMG Guidelines, 2015. Collection method: clinical testing. Allele origin: germline.
Comment: PVS1, PM2

OMIM
Classification: Pathogenic for MEDULLOBLASTOMA. Last evaluated: 2021-10-14. Review status: no assertion criteria provided. Collection method: literature only. Allele origin: germline. Not counted in ClinVar's aggregate classification.

Literature cited by the submitters: PubMed 18303054 (cited by Labcorp Genetics (formerly Invitae), Labcorp); PubMed 24173031 (cited by Labcorp Genetics (formerly Invitae), Labcorp); PubMed 32296180 (cited by Labcorp Genetics (formerly Invitae), Labcorp and OMIM); Hamosh, A. Personal Communication. 2020. Baltimore, Md. (cited by OMIM).

NM_003640.5(ELP1):c.138dup (p.Val47fs)

Gene: ELP1 (elongator acetyltransferase complex subunit 1; minus strand). Cytogenetic location: 9q31.3.
Variant type: Duplication.
Coding change: c.138dup on transcript NM_003640.5 (MANE Select); coding-DNA position 138, one base duplicated (T; older notation c.138dupT).
Protein change: p.Val47fs; shifts the reading frame from valine 47.
Molecular consequence: frameshift variant. On other transcripts: 5 prime UTR variant (2).
Genome position (GRCh38, 1-based): chr9:108,931,009, A duplicated on the plus strand (T on the coding strand, the reverse complement: ELP1 is on the minus strand). VCF-style (leftmost placement, unchanged base first): chr9-108931008-C-CA. GRCh37 (hg19) VCF-style: chr9-111693288-C-CA.
Other names: c.138dup (NM_003640.3); c.-205dup (NM_001318360.2); c.-722dup (NM_001330749.2); c.138dupT (NM_003640.5); short protein forms V47fs.
Identifiers: ClinVar variation 1299758 (VCV001299758.10), dbSNP rs1564110292, ClinGen allele CA589616201.
Genomic context (GRCh38, chr9:108,931,008, plus strand): 5'-GAAATCAAGGGTCATACCCACATGCTGGCATTCTACATCAGTAACTTACTTCTCTTGAGA[C>CA]AGGGTCTACTTCTATCAGGCCATGTTCTGAACCAATGAGCACCGTCCCCTGTTCAGTTCG-3'